The following is an entry in ClinVar:

ClinVar aggregate classification (germline): Likely pathogenic (1 of 4 stars; one submission).

Conditions:
Fanconi anemia (FA). Also called: Fanconi's anemia. Identifiers: Orphanet 84, MedGen C0015625, MeSH D005199, MONDO:0019391.

Submission:

Labcorp Genetics (formerly Invitae), Labcorp
Classification: Likely pathogenic for Fanconi anemia. Last evaluated: 2017-08-09. Review status: criteria provided, single submitter. Criteria: Invitae Variant Classification Sherloc (09022015). Collection method: clinical testing. Allele origin: germline.
Comment: Algorithms developed to predict the effect of sequence changes on RNA splicing suggest that this variant may disrupt the consensus splice site, but this prediction has not been confirmed by published transcriptional studies. In summary, the currently available evidence indicates that the variant is pathogenic, but additional data are needed to prove that conclusively. Therefore, this variant has been classified as Likely Pathogenic. Donor and acceptor splice site variants typically lead to a loss of protein function (PMID: 16199547), and loss-of-function variants in FANCL are known to be pathogenic (PMID: 19405097, 23613520). This variant has not been reported in the literature in individuals with FANCL-related disease. This variant is not present in population databases (ExAC no frequency). This sequence change affects a donor splice site in intron 13 of the FANCL gene. It is expected to disrupt RNA splicing and likely results in an absent or disrupted protein product.

Literature cited by the submitters: PubMed 16199547; PubMed 19405097; PubMed 23613520.

NM_018062.4(FANCL):c.1092+1_1092+5del

Gene: FANCL (FA complementation group L; minus strand). Cytogenetic location: 2p16.1.
Variant type: Microsatellite.
Coding change: c.1092+1_1092+5del on transcript NM_018062.4 (MANE Select); the canonical splice donor site of the intron after coding-DNA position 1092 through 5 bases into the intron after coding-DNA position 1092, 5 bases deleted (GTAAG; older notation c.1092+1_1092+5delGTAAG).
Molecular consequence: splice donor variant.
Genome position (GRCh38, 1-based): chr2:58,160,103-58,160,107, CTTAC deleted on the plus strand (GTAAG on the coding strand, the reverse complement: FANCL is on the minus strand); deleting any 5 consecutive bases within chr2:58,160,103-58,160,112 gives the same sequence; the c. name uses the placement nearest the transcript's 3' end. VCF-style (leftmost placement, unchanged base first): chr2-58160102-GCTTAC-G. GRCh37 (hg19) VCF-style: chr2-58387237-GCTTAC-G.
Other names: c.1137+1_1137+5del (NM_001374615.1); c.1107+1_1107+5del (NM_001114636.2); c.1152+1_1152+5del (NM_001410792.1); c.1092+1_1092+5delGTAAG (NM_018062.3).
Identifiers: ClinVar variation 572699 (VCV000572699.7), dbSNP rs1558727300, ClinGen allele CA891843376.